The following is an entry in ClinVar:

NM_000719.7(CACNA1C):c.617+194G>A

Gene: CACNA1C (calcium voltage-gated channel subunit alpha1 C; plus strand). Cytogenetic location: 12p13.33.
Variant type: single nucleotide variant.
Coding change: c.617+194G>A on transcript NM_000719.7 (MANE Select); 194 bases into the intron after coding-DNA position 617, G replaced by A.
Molecular consequence: intron variant.
Genome position (GRCh38, 1-based): chr12:2,449,309, G>A. VCF-style: chr12-2449309-G-A. GRCh37 (hg19) VCF-style: chr12-2558475-G-A.
Other names: c.617+194G>A (NM_001167624.3, NM_001167623.2, NM_001167625.2 and 19 more transcripts).
Identifiers: ClinVar variation 671977 (VCV000671977.5), dbSNP rs4765933, ClinGen allele CA13640855.

ClinVar aggregate classification (germline): Benign. Review status: criteria provided, multiple submitters, no conflicts (2 of 4 stars). 2 submissions from 2 submitters: Benign (2). Last evaluated 2019-12-31.

Conditions:
Long QT syndrome (LQTS). Identifiers: MedGen C0023976, MeSH D008133, MONDO:0002442. Disease mechanism: loss of function. Inheritance: Various modes of inheritance.

Allele frequency attached by ClinVar (database versions not stated): 1000 Genomes Project 30x 0.25718; 1000 Genomes Project 0.25938; TOPMed 0.27024.
gnomAD v4.1: 41,094 of 152,086 alleles (27%); highest among the groups gnomAD compares: African/African-American, 32%; 5,699 homozygotes.

Submissions (2):

Labcorp Genetics (formerly Invitae), Labcorp
Classification: Benign for Long QT syndrome. Last evaluated: 2019-12-31. Review status: criteria provided, single submitter. Criteria: Invitae Variant Classification Sherloc (09022015). Collection method: clinical testing. Allele origin: germline.

GeneDx
Classification: Benign. Last evaluated: 2018-06-14. Review status: criteria provided, single submitter. Criteria: GeneDx Variant Classification (06012015). Collection method: clinical testing. Allele origin: germline. Affected: yes.
Comment: This variant is considered likely benign or benign based on one or more of the following criteria: it is a conservative change, it occurs at a poorly conserved position in the protein, it is predicted to be benign by multiple in silico algorithms, and/or has population frequency not consistent with disease.